The following is an entry in ClinVar:

NM_001854.4(COL11A1):c.1413+3A>G

Gene: COL11A1 (collagen type XI alpha 1 chain; minus strand). Cytogenetic location: 1p21.1.
Variant type: single nucleotide variant.
Coding change: c.1413+3A>G on transcript NM_001854.4 (MANE Select); 3 bases into the intron after coding-DNA position 1413, A replaced by G.
Molecular consequence: intron variant.
Genome position (GRCh38, 1-based): chr1:103,017,817, T>C on the plus strand (A>G on the coding strand, the complement: COL11A1 is on the minus strand). VCF-style: chr1-103017817-T-C. GRCh37 (hg19) VCF-style: chr1-103483373-T-C.
Other names: c.1296+3A>G (NM_001190709.2); c.1449+3A>G (NM_080629.3); c.1065+3A>G (NM_080630.4).
Identifiers: ClinVar variation 2800559 (VCV002800559.4), dbSNP rs2525523443, ClinGen allele CA2646809022.

ClinVar aggregate classification (germline): Uncertain significance. Review status: criteria provided, multiple submitters, no conflicts (2 of 4 stars). 2 submissions from 2 submitters: Uncertain significance (2). Last evaluated 2025-03-11.

Allele frequency attached by ClinVar (database versions not stated): gnomAD exomes 0.00001.
gnomAD v4.1: 10 of 1,610,996 alleles (0.00062%); highest among the groups gnomAD compares: Non-Finnish European, 0.00085%; no homozygotes.

Submissions (2):

Labcorp Genetics (formerly Invitae), Labcorp
Classification: Uncertain significance. Last evaluated: 2025-03-11. Review status: criteria provided, single submitter. Criteria: Invitae Variant Classification Sherloc (09022015). Collection method: clinical testing. Allele origin: germline.
Comment: This sequence change falls in intron 11 of the COL11A1 gene. It does not directly change the encoded amino acid sequence of the COL11A1 protein. It affects a nucleotide within the consensus splice site. This variant is not present in population databases (gnomAD no frequency). This variant has not been reported in the literature in individuals affected with COL11A1-related conditions. ClinVar contains an entry for this variant (Variation ID: 2800559). Variants that disrupt the consensus splice site are a relatively common cause of aberrant splicing (PMID: 17576681, 9536098). Algorithms developed to predict the effect of sequence changes on RNA splicing suggest that this variant is not likely to affect RNA splicing. In summary, the available evidence is currently insufficient to determine the role of this variant in disease. Therefore, it has been classified as a Variant of Uncertain Significance.

Revvity Omics, Revvity
Classification: Uncertain significance. Last evaluated: 2023-09-08. Review status: criteria provided, single submitter. Criteria: ACMG Guidelines, 2015. Collection method: clinical testing. Allele origin: germline.

Literature cited by the submitters: PubMed 17576681 (cited by Labcorp Genetics (formerly Invitae), Labcorp); PubMed 9536098 (cited by Labcorp Genetics (formerly Invitae), Labcorp).